The following is an entry in ClinVar:

NM_001399.5(EDA):c.599dup (p.Gly201fs)

Gene: EDA (ectodysplasin A; plus strand). Cytogenetic location: Xq13.1.
Variant type: Duplication.
Coding change: c.599dup on transcript NM_001399.5 (MANE Select); coding-DNA position 599, one base duplicated (C; older notation c.599dupC).
Protein change: p.Gly201fs; shifts the reading frame from glycine 201.
Molecular consequence: frameshift variant.
Genome position (GRCh38, 1-based): chrX:70,027,929, C duplicated; the last of 5 consecutive C bases (chrX:70,027,925-70,027,929); duplicating any one gives the same sequence. VCF-style (leftmost placement, unchanged base first): chrX-70027924-A-AC. GRCh37 (hg19) VCF-style: chrX-69247774-A-AC.
Other names: c.599dup, p.Gly201fs (NM_001005609.2, NM_001005612.3); c.599dupC (NM_001399.4); short protein forms G201fs.
Identifiers: ClinVar variation 458659 (VCV000458659.11), dbSNP rs1556098570, ClinGen allele CA658659005.
Genomic context (GRCh38, chrX:70,027,924, plus strand): 5'-AGCAGGACCTCCTGGACCCAATGGCCCTCCAGGACCCCCAGGACCTCCAGGACCCCAGGG[A>AC]CCCCCAGGAATTCCAGGGATTCCTGGAATTCCAGGAACAACTGTTATGGGACCACCTGGT-3'

ClinVar aggregate classification (germline): Pathogenic. Review status: criteria provided, multiple submitters, no conflicts (2 of 4 stars). 3 submissions from 3 submitters: Pathogenic (2). 1 of the submissions does not count toward it. Last evaluated 2025-09-15.

Conditions:
EDA-related disorder. Also called: EDA-related condition; EDA-related disorders.
Hypohidrotic X-linked ectodermal dysplasia (XHED). Also called: Ectodermal Dysplasia 1, Anhidrotic; ECTODERMAL DYSPLASIA 1, HYPOHIDROTIC, X-LINKED; Anhidrotic ectodermal dysplasia X-linked; Christ Siemens Touraine syndrome; ECTODERMAL DYSPLASIA 1, HYPOHIDROTIC/HAIR/TOOTH TYPE, X-LINKED; Christ-Siemans-Touraine syndrome. Identifiers: Orphanet 181, Orphanet 238468, MedGen C0162359, MONDO:0010585, OMIM 305100.

Submissions (3):

Labcorp Genetics (formerly Invitae), Labcorp
Classification: Pathogenic for Hypohidrotic X-linked ectodermal dysplasia. Last evaluated: 2025-09-15. Review status: criteria provided, single submitter. Criteria: Invitae Variant Classification Sherloc (09022015). Collection method: clinical testing. Allele origin: germline.
Comment: This sequence change creates a premature translational stop signal (p.Gly201Argfs*39) in the EDA gene. It is expected to result in an absent or disrupted protein product. Loss-of-function variants in EDA are known to be pathogenic (PMID: 9683615). This variant is not present in population databases (gnomAD no frequency). This premature translational stop signal has been observed in individual(s) with hypohidrotic ectodermal dysplasia (PMID: 9736768, 31652981). In at least one individual the variant was observed to be de novo. This variant is also known as c.841insC. ClinVar contains an entry for this variant (Variation ID: 458659). For these reasons, this variant has been classified as Pathogenic.

Blueprint Genetics
Classification: Pathogenic for EDA-related disorders. Last evaluated: 2020-03-04. Review status: criteria provided, single submitter. Criteria: ACMG Guidelines, 2015. Collection method: clinical testing. Allele origin: germline. Affected: yes. Observed: 2 variant alleles.

PreventionGenetics, part of Exact Sciences
Classification: Pathogenic for EDA-related condition. Last evaluated: 2024-01-05. Review status: no assertion criteria provided. Collection method: clinical testing. Allele origin: germline. Not counted in ClinVar's aggregate classification.
Comment: The EDA c.599dupC variant is predicted to result in a frameshift and premature protein termination (p.Gly201Argfs*39). This variant has been reported to be pathogenic for X-linked ectodermal dysplasia (reported as 836/841insC in Bayes et al. 1998. PubMed ID: 9736768; reported as c.594_595insC; Gly201Argfs*39 in Parveen et al. 2019. PubMed ID: 31652981). This variant has not been reported in a large population database, indicating this variant is rare. Frameshift variants in EDA are expected to be pathogenic. This variant is interpreted as pathogenic.

Literature cited by the submitters: PubMed 9683615 (cited by Labcorp Genetics (formerly Invitae), Labcorp); PubMed 9736768 (cited by Labcorp Genetics (formerly Invitae), Labcorp); PubMed 31652981 (cited by Labcorp Genetics (formerly Invitae), Labcorp).